The following is an entry in ClinVar:

NM_005591.4(MRE11):c.1548T>G (p.Asp516Glu)

Gene: MRE11 (MRE11 double strand break repair nuclease; minus strand). Cytogenetic location: 11q21.
Variant type: single nucleotide variant.
Coding change: c.1548T>G on transcript NM_005591.4 (MANE Select); coding-DNA position 1548, T replaced by G.
Protein change: p.Asp516Glu; replaces aspartic acid 516 with glutamic acid.
Molecular consequence: missense variant.
Genome position (GRCh38, 1-based): chr11:94,456,291, A>C on the plus strand (T>G on the coding strand, the complement: MRE11 is on the minus strand). VCF-style: chr11-94456291-A-C. GRCh37 (hg19) VCF-style: chr11-94189457-A-C.
Other names: c.1548T>G, p.Asp516Glu (NM_001330347.2, NM_005590.4); short protein forms D516E.
Identifiers: ClinVar variation 230526 (VCV000230526.6), dbSNP rs876658615, ClinGen allele CA10579373.

ClinVar aggregate classification (germline): Uncertain significance (1 of 4 stars; one submission).

Conditions:
Hereditary cancer-predisposing syndrome. Also called: Neoplastic Syndromes, Hereditary; Tumor predisposition; Hereditary Cancer Syndrome; Hereditary neoplastic syndrome. Identifiers: Orphanet 140162, MedGen C0027672, MeSH D009386, MONDO:0015356.

Submission:

Ambry Genetics
Classification: Uncertain significance for Hereditary cancer-predisposing syndrome. Last evaluated: 2023-09-06. Review status: criteria provided, single submitter. Criteria: Ambry Variant Classification Scheme 2023. Collection method: clinical testing. Allele origin: germline.
Comment: The p.D516E variant (also known as c.1548T>G), located in coding exon 13 of the MRE11A gene, results from a T to G substitution at nucleotide position 1548. The aspartic acid at codon 516 is replaced by glutamic acid, an amino acid with highly similar properties. This amino acid position is well conserved in available vertebrate species with glutamine as the reference amino acid in several species In addition, this alteration is predicted to be tolerated by in silico analysis. Since supporting evidence is limited at this time, the clinical significance of this alteration remains unclear.